The following is an entry in ClinVar:

ClinVar aggregate classification (germline): Uncertain significance (1 of 4 stars; one submission).

Submission:

Labcorp Genetics (formerly Invitae), Labcorp
Classification: Uncertain significance. Last evaluated: 2021-07-29. Review status: criteria provided, single submitter. Criteria: Invitae Variant Classification Sherloc (09022015). Collection method: clinical testing. Allele origin: germline.
Comment: The frequency data for this variant in the population databases is considered unreliable, as metrics indicate insufficient coverage at this position in the ExAC database. This sequence change replaces arginine with proline at codon 37 of the CFD protein (p.Arg37Pro). The arginine residue is highly conserved and there is a moderate physicochemical difference between arginine and proline. This variant has not been reported in the literature in individuals affected with CFD-related conditions. In summary, the available evidence is currently insufficient to determine the role of this variant in disease. Therefore, it has been classified as a Variant of Uncertain Significance. Algorithms developed to predict the effect of missense changes on protein structure and function are either unavailable or do not agree on the potential impact of this missense change (SIFT: "Not Available"; PolyPhen-2: "Probably Damaging"; Align-GVGD: "Not Available").

NM_001928.4(CFD):c.110G>C (p.Arg37Pro)

Gene: CFD (complement factor D; plus strand). Cytogenetic location: 19p13.3.
Variant type: single nucleotide variant.
Coding change: c.110G>C on transcript NM_001928.4 (MANE Select); coding-DNA position 110, G replaced by C.
Protein change: p.Arg37Pro; replaces arginine 37 with proline.
Molecular consequence: missense variant.
Genome position (GRCh38, 1-based): chr19:860,671, G>C. VCF-style: chr19-860671-G-C. GRCh37 (hg19) VCF-style: chr19-860671-G-C.
Other names: c.131G>C, p.Arg44Pro (NM_001317335.2); short protein forms R37P, R44P.
Identifiers: ClinVar variation 1384440 (VCV001384440.6), dbSNP rs1371875198, ClinGen allele CA402920621.